The following is an entry in ClinVar:

ClinVar aggregate classification (germline): Uncertain significance (1 of 4 stars; one submission).

Conditions:
MAGEL2-related disorder. Also called: MAGEL2-related condition.

Submission:

PreventionGenetics, part of Exact Sciences
Classification: Uncertain significance for MAGEL2-related condition. Last evaluated: 2024-12-05. Review status: criteria provided, single submitter. Criteria: ACMG Guidelines, 2015. Collection method: clinical testing. Allele origin: germline.
Comment: The MAGEL2 c.127C>T variant is predicted to result in the amino acid substitution p.Pro43Ser. To our knowledge, this variant has not been reported in the literature or in a large population database (gnomAD), indicating this variant is rare. At this time, the clinical significance of this variant is uncertain due to the absence of conclusive functional and genetic evidence.

NM_019066.5(MAGEL2):c.127C>T (p.Pro43Ser)

Gene: MAGEL2 (MAGE family member L2; minus strand). Cytogenetic location: 15q11.2.
Variant type: single nucleotide variant.
Coding change: c.127C>T on transcript NM_019066.5 (MANE Select); coding-DNA position 127, C replaced by T.
Protein change: p.Pro43Ser; replaces proline 43 with serine.
Molecular consequence: missense variant.
Genome position (GRCh38, 1-based): chr15:23,647,616, G>A on the plus strand (C>T on the coding strand, the complement: MAGEL2 is on the minus strand). VCF-style: chr15-23647616-G-A. GRCh37 (hg19) VCF-style: chr15-23892763-G-A.
Other names: short protein forms P43S.
Identifiers: ClinVar variation 4982290 (VCV004982290.1).
Genomic context (GRCh38, chr15:23,647,616, plus strand): 5'-GCTGAGGTGCCTGCCAAGCGGCCAATGAAGCCTGCAAGTCAATTGGAGGTGGATCCCAAG[G>A]GACTGGCGGAGCCCGGGAGGAAGCGGGCGGGGCCCGCATCAGAACCGTAGGGCGGCTATA-3'
Protein context (NP_061939.3, residues 33-53): PPASSRAPPV[Pro43Ser]WDPPPIDLQA